The following is an entry in ClinVar:

NM_201384.3(PLEC):c.11456C>T (p.Pro3819Leu)

Gene: PLEC (plectin; minus strand). Cytogenetic location: 8q24.3.
Variant type: single nucleotide variant.
Coding change: c.11456C>T on transcript NM_201384.3 (MANE Select); coding-DNA position 11456, C replaced by T.
Protein change: p.Pro3819Leu; replaces proline 3819 with leucine.
Molecular consequence: missense variant.
Genome position (GRCh38, 1-based): chr8:143,918,365, G>A on the plus strand (C>T on the coding strand, the complement: PLEC is on the minus strand). VCF-style: chr8-143918365-G-A. GRCh37 (hg19) VCF-style: chr8-144992533-G-A.
Other names: c.11537C>T, p.Pro3846Leu (NM_000445.5); c.11414C>T, p.Pro3805Leu (NM_201378.4); c.11390C>T, p.Pro3797Leu (NM_201379.3); c.11867C>T, p.Pro3956Leu (NM_201380.4); c.11360C>T, p.Pro3787Leu (NM_201381.3); c.11456C>T, p.Pro3819Leu (NM_201382.4); c.11468C>T, p.Pro3823Leu (NM_201383.3); short protein forms P3787L, P3797L, P3805L, P3819L, P3823L, P3846L, P3956L.
Identifiers: ClinVar variation 501626 (VCV000501626.15), dbSNP rs782481537, ClinGen allele CA4924345.
Genomic context (GRCh38, chr8:143,918,365, plus strand): 5'-TCTGACAGCTGGTCGTGCGTGTCCTTGTTGAGGTAGCCACGCTGGTAAGCCACCTCCAGG[G>A]GAAGGTGGAAGCCCAGGCGGGGGTCCACGATGCCGCCGGTGGCCAGCTGGGCATCCAGCA-3'
Protein context (NP_958786.1, residues 3809-3829): IVDPRLGFHL[Pro3819Leu]LEVAYQRGYL

ClinVar aggregate classification (germline): Uncertain significance. Review status: criteria provided, multiple submitters, no conflicts (2 of 4 stars). 3 submissions from 3 submitters: Uncertain significance (3). Last evaluated 2026-01-05.

Conditions:
Epidermolysis bullosa simplex 5B, with muscular dystrophy (EBS5B). Also called: EPIDERMOLYSIS BULLOSA SIMPLEX AND LIMB-GIRDLE MUSCULAR DYSTROPHY; Epidermolysis bullosa simplex with muscular dystrophy. Identifiers: Orphanet 257, MedGen C2931072, MONDO:0009181, OMIM 226670.
Epidermolysis bullosa simplex, Ogna type (EBS5A). Also called: Pidermolysis bullosa simplex 5A, Ogna type; EPIDERMOLYSIS BULLOSA SIMPLEX 5A, OGNA TYPE. Identifiers: Orphanet 79401, MedGen C0432317, MONDO:0007555, OMIM 131950.
Autosomal recessive limb-girdle muscular dystrophy type 2Q (LGMDR17). Also called: MUSCULAR DYSTROPHY, LIMB-GIRDLE, AUTOSOMAL RECESSIVE 17. Identifiers: Orphanet 254361, MedGen C3150989, MONDO:0013390, OMIM 613723.
Epidermolysis bullosa simplex 5C, with pyloric atresia (EBS5C). Also called: Epidermolysis bullosa simplex with pyloric atresia; PLEC1-Related Epidermolysis Bullosa with Pyloric Atresia; PLEC-Related Epidermolysis Bullosa with Pyloric Atresia. Identifiers: Orphanet 158684, MedGen C2677349, MONDO:0012807, OMIM 612138.
Epidermolysis bullosa simplex with nail dystrophy (EBS5D). Identifiers: MedGen C4225309, MONDO:0014661, OMIM 616487.

Allele frequency attached by ClinVar (database versions not stated): gnomAD 0.00001 and 0.00002; ExAC 0.00002; gnomAD exomes 0.00002; TOPMed 0.00003.
gnomAD v4.1: 131 of 1,571,610 alleles (0.0083%); highest among the groups gnomAD compares: Non-Finnish European, 0.011%; no homozygotes.

Submissions (3):

Labcorp Genetics (formerly Invitae), Labcorp
Classification: Uncertain significance for Autosomal recessive limb-girdle muscular dystrophy type 2Q; Epidermolysis bullosa simplex, Ogna type; Epidermolysis bullosa simplex with nail dystrophy; Epidermolysis bullosa simplex 5C, with pyloric atresia; Epidermolysis bullosa simplex 5B, with muscular dystrophy. Last evaluated: 2026-01-05. Review status: criteria provided, single submitter. Criteria: Invitae Variant Classification Sherloc (09022015). Collection method: clinical testing. Allele origin: germline.
Comment: This sequence change replaces proline, which is neutral and non-polar, with leucine, which is neutral and non-polar, at codon 3846 of the PLEC protein (p.Pro3846Leu). The frequency data for this variant in the population databases is considered unreliable, as metrics indicate poor data quality at this position in the gnomAD database. This variant has not been reported in the literature in individuals affected with PLEC-related conditions. ClinVar contains an entry for this variant (Variation ID: 501626). An algorithm developed to predict the effect of missense changes on protein structure and function (PolyPhen-2) suggests that this variant is likely to be disruptive. In summary, the available evidence is currently insufficient to determine the role of this variant in disease. Therefore, it has been classified as a Variant of Uncertain Significance.

Revvity Omics, Revvity
Classification: Uncertain significance. Last evaluated: 2023-10-16. Review status: criteria provided, single submitter. Criteria: ACMG Guidelines, 2015. Collection method: clinical testing. Allele origin: germline.

Eurofins Ntd Llc (ga)
Classification: Uncertain significance. Last evaluated: 2017-04-27. Review status: criteria provided, single submitter. Criteria: EGL Classification Definitions 2015. Collection method: clinical testing. Allele origin: germline. Observed: 1 variant allele, 1 heterozygote.